The following is an entry in ClinVar:

ClinVar aggregate classification (germline): Uncertain significance (1 of 4 stars; one submission).

Allele frequency attached by ClinVar (database versions not stated): TOPMed below 0.00001; gnomAD 0.00001.

Submission:

Labcorp Genetics (formerly Invitae), Labcorp
Classification: Uncertain significance. Last evaluated: 2022-10-24. Review status: criteria provided, single submitter. Criteria: Invitae Variant Classification Sherloc (09022015). Collection method: clinical testing. Allele origin: germline.
Comment: This sequence change replaces methionine, which is neutral and non-polar, with isoleucine, which is neutral and non-polar, at codon 107 of the MAPKAPK3 protein (p.Met107Ile). In summary, the available evidence is currently insufficient to determine the role of this variant in disease. Therefore, it has been classified as a Variant of Uncertain Significance. Algorithms developed to predict the effect of missense changes on protein structure and function output the following: SIFT: "Tolerated"; PolyPhen-2: "Benign"; Align-GVGD: "Class C0". The isoleucine amino acid residue is found in multiple mammalian species, which suggests that this missense change does not adversely affect protein function. ClinVar contains an entry for this variant (Variation ID: 1490153). This variant has not been reported in the literature in individuals affected with MAPKAPK3-related conditions. This variant is not present in population databases (gnomAD no frequency).

NM_001243925.2(MAPKAPK3):c.321G>T (p.Met107Ile)

Gene: MAPKAPK3 (MAPK activated protein kinase 3; plus strand). Cytogenetic location: 3p21.2.
Variant type: single nucleotide variant.
Coding change: c.321G>T on transcript NM_001243925.2 (MANE Select); coding-DNA position 321, G replaced by T.
Protein change: p.Met107Ile; replaces methionine 107 with isoleucine.
Molecular consequence: missense variant.
Genome position (GRCh38, 1-based): chr3:50,640,467, G>T. VCF-style: chr3-50640467-G-T. GRCh37 (hg19) VCF-style: chr3-50677898-G-T.
Other names: c.321G>T, p.Met107Ile (NM_001243926.2, NM_004635.5); short protein forms M107I.
Identifiers: ClinVar variation 1490153 (VCV001490153.8), dbSNP rs867974734, ClinGen allele CA74623896.